The following is an entry in ClinVar:

ClinVar aggregate classification (germline): Uncertain significance (1 of 4 stars; one submission).

gnomAD v4.1: 1 of 1,609,550 alleles (0.000062%); no homozygotes.

Submission:

Labcorp Genetics (formerly Invitae), Labcorp
Classification: Uncertain significance. Last evaluated: 2022-08-22. Review status: criteria provided, single submitter. Criteria: Invitae Variant Classification Sherloc (09022015). Collection method: clinical testing. Allele origin: germline.
Comment: In summary, the available evidence is currently insufficient to determine the role of this variant in disease. Therefore, it has been classified as a Variant of Uncertain Significance. Algorithms developed to predict the effect of missense changes on protein structure and function are either unavailable or do not agree on the potential impact of this missense change (SIFT: "Tolerated"; PolyPhen-2: "Possibly Damaging"; Align-GVGD: "Class C0"). This variant has not been reported in the literature in individuals affected with TRAF3IP1-related conditions. This variant is not present in population databases (gnomAD no frequency). This sequence change replaces glutamic acid, which is acidic and polar, with glycine, which is neutral and non-polar, at codon 327 of the TRAF3IP1 protein (p.Glu327Gly).

NM_015650.4(TRAF3IP1):c.980A>G (p.Glu327Gly)

Gene: TRAF3IP1 (TRAF3 interacting protein 1; plus strand). Cytogenetic location: 2q37.3.
Variant type: single nucleotide variant.
Coding change: c.980A>G on transcript NM_015650.4 (MANE Select); coding-DNA position 980, A replaced by G.
Protein change: p.Glu327Gly; replaces glutamic acid 327 with glycine.
Molecular consequence: missense variant.
Genome position (GRCh38, 1-based): chr2:238,332,888, A>G. VCF-style: chr2-238332888-A-G. GRCh37 (hg19) VCF-style: chr2-239241529-A-G.
Other names: c.980A>G, p.Glu327Gly (NM_001139490.1); short protein forms E327G.
Identifiers: ClinVar variation 1908613 (VCV001908613.4), dbSNP rs1698198886, ClinGen allele CA351248180.